The following is an entry in ClinVar:

NM_001130438.3(SPTAN1):c.1328C>G (p.Thr443Ser)

Gene: SPTAN1 (spectrin alpha, non-erythrocytic 1; plus strand). Cytogenetic location: 9q34.11.
Variant type: single nucleotide variant.
Coding change: c.1328C>G on transcript NM_001130438.3 (MANE Select); coding-DNA position 1328, C replaced by G.
Protein change: p.Thr443Ser; replaces threonine 443 with serine.
Molecular consequence: missense variant.
Genome position (GRCh38, 1-based): chr9:128,580,926, C>G. VCF-style: chr9-128580926-C-G. GRCh37 (hg19) VCF-style: chr9-131343205-C-G.
Other names: c.1328C>G, p.Thr443Ser (NM_001195532.2, NM_001363759.2, NM_001363765.2 and 5 more transcripts); c.1364C>G, p.Thr455Ser (NM_001375312.2, NM_001375318.1); c.1328C>G (NM_001130438.2); short protein forms T443S, T455S.
Identifiers: ClinVar variation 2719663 (VCV002719663.4), dbSNP rs1362629631, ClinGen allele CA375053178.

ClinVar aggregate classification (germline): Uncertain significance. Review status: criteria provided, multiple submitters, no conflicts (2 of 4 stars). 2 submissions from 2 submitters: Uncertain significance (2). Last evaluated 2025-01-22.

Conditions:
Inborn genetic diseases. Identifiers: MedGen C0950123, MeSH D030342.
Early-infantile DEE. Also called: Early infantile epileptic encephalopathy; Early infantile epileptic encephalopathy with suppression bursts; Ohtahara syndrome. Identifiers: Orphanet 1934, MedGen C0393706, MONDO:0800491.

Allele frequency attached by ClinVar (database versions not stated): TOPMed below 0.00001; gnomAD exomes below 0.00001.
gnomAD v4.1: 1 of 1,612,866 alleles (0.000062%); highest among the groups gnomAD compares: Non-Finnish European, 0.000085%; no homozygotes.

Submissions (2):

Ambry Genetics
Classification: Uncertain significance for Inborn genetic diseases. Last evaluated: 2025-01-22. Review status: criteria provided, single submitter. Criteria: Ambry Variant Classification Scheme 2023. Collection method: clinical testing. Allele origin: germline.

Labcorp Genetics (formerly Invitae), Labcorp
Classification: Uncertain significance for Early-infantile DEE. Last evaluated: 2023-09-11. Review status: criteria provided, single submitter. Criteria: Invitae Variant Classification Sherloc (09022015). Collection method: clinical testing. Allele origin: germline.
Comment: In summary, the available evidence is currently insufficient to determine the role of this variant in disease. Therefore, it has been classified as a Variant of Uncertain Significance. Algorithms developed to predict the effect of missense changes on protein structure and function output the following: SIFT: "Not Available"; PolyPhen-2: "Benign"; Align-GVGD: "Not Available". The serine amino acid residue is found in multiple mammalian species, which suggests that this missense change does not adversely affect protein function. This variant has not been reported in the literature in individuals affected with SPTAN1-related conditions. This variant is not present in population databases (gnomAD no frequency). This sequence change replaces threonine, which is neutral and polar, with serine, which is neutral and polar, at codon 443 of the SPTAN1 protein (p.Thr443Ser).